The following is an entry in ClinVar:

ClinVar aggregate classification (germline): Uncertain significance (1 of 4 stars; one submission).

Submission:

GeneDx
Classification: Uncertain significance. Last evaluated: 2023-02-08. Review status: criteria provided, single submitter. Criteria: GeneDx Variant Classification Process June 2021. Collection method: clinical testing. Allele origin: germline. Affected: yes.
Comment: Not observed at significant frequency in large population cohorts (gnomAD); In silico analysis suggests that this missense variant does not alter protein structure/function, but splice predictors indicate that the variant may lead to abnormal gene splicing; Has not been previously published as pathogenic or benign to our knowledge

NM_001145809.2(MYH14):c.3464C>T (p.Ala1155Val)

Gene: MYH14 (myosin heavy chain 14; plus strand). Cytogenetic location: 19q13.33.
Variant type: single nucleotide variant.
Coding change: c.3464C>T on transcript NM_001145809.2 (MANE Select); coding-DNA position 3464, C replaced by T.
Protein change: p.Ala1155Val; replaces alanine 1155 with valine.
Molecular consequence: missense variant.
Genome position (GRCh38, 1-based): chr19:50,272,728, C>T. VCF-style: chr19-50272728-C-T. GRCh37 (hg19) VCF-style: chr19-50775985-C-T.
Other names: c.3365C>T, p.Ala1122Val (NM_001077186.2); c.3341C>T, p.Ala1114Val (NM_024729.4); short protein forms A1114V, A1122V, A1155V.
Identifiers: ClinVar variation 2575776 (VCV002575776.1), dbSNP rs2514414913, ClinGen allele CA406953216.